The following is an entry in ClinVar:

ClinVar aggregate classification (germline): Pathogenic (1 of 4 stars; one submission).

Conditions:
Ehlers-Danlos syndrome, classic type, 1 (EDSCL1). Also called: EHLERS-DANLOS SYNDROME, GRAVIS TYPE; EHLERS-DANLOS SYNDROME, SEVERE CLASSIC TYPE; Ehlers-Danlos syndrome, type 1; EDS I; Ehlers-Danlos Syndrome, Classic Type, COL5A1-Related. Identifiers: MedGen C0268335, MONDO:0019567, OMIM 130000.
Osteogenesis imperfecta type I (OI1). Also called: OI, TYPE I; OSTEOGENESIS IMPERFECTA TARDA; OSTEOGENESIS IMPERFECTA WITH BLUE SCLERAE; Osteogenesis imperfecta type 1; Lobstein's Disease; Lobstein disease. Identifiers: Orphanet 216796, Orphanet 666, MedGen C0023931, MONDO:0008146, OMIM 166200. Disease mechanism: loss of function.

Submission:

Labcorp Genetics (formerly Invitae), Labcorp
Classification: Pathogenic for Osteogenesis imperfecta type I; Ehlers-Danlos syndrome, classic type, 1. Last evaluated: 2022-11-22. Review status: criteria provided, single submitter. Criteria: Invitae Variant Classification Sherloc (09022015). Collection method: clinical testing. Allele origin: germline.
Comment: This variant has not been reported in the literature in individuals affected with COL1A2-related conditions. For these reasons, this variant has been classified as Pathogenic. This variant is not present in population databases (gnomAD no frequency). This sequence change creates a premature translational stop signal (p.Pro477Leufs*205) in the COL1A2 gene. It is expected to result in an absent or disrupted protein product. Loss-of-function variants in COL1A2 are known to be pathogenic (PMID: 11288717, 15077201).

Literature cited by the submitters: PubMed 11288717; PubMed 15077201.

NM_000089.4(COL1A2):c.1430del (p.Pro477fs)

Gene: COL1A2 (collagen type I alpha 2 chain; plus strand). Cytogenetic location: 7q21.3.
Variant type: Deletion.
Coding change: c.1430del on transcript NM_000089.4 (MANE Select); coding-DNA position 1430, one base deleted (C; older notation c.1430delC).
Protein change: p.Pro477fs; shifts the reading frame from proline 477.
Molecular consequence: frameshift variant.
Genome position (GRCh38, 1-based): chr7:94,412,609, C deleted; the last of 2 consecutive C bases (chr7:94,412,608-94,412,609); deleting either gives the same sequence. VCF-style (leftmost placement, unchanged base first): chr7-94412607-GC-G. GRCh37 (hg19) VCF-style: chr7-94041919-GC-G.
Other names: short protein forms P477fs.
Identifiers: ClinVar variation 2025763 (VCV002025763.4), dbSNP rs2484713607, ClinGen allele CA2580078004.